The following is an entry in ClinVar:

NM_018670.4(MESP1):c.611C>T (p.Pro204Leu)

Genes: MESP1 (mesoderm posterior bHLH transcription factor 1; minus strand), LOC130057888 (ATAC-STARR-seq lymphoblastoid silent region 6803; plus strand). Cytogenetic location: 15q26.1.
Variant type: single nucleotide variant.
Coding change: c.611C>T on transcript NM_018670.4 (MANE Select); coding-DNA position 611, C replaced by T.
Protein change: p.Pro204Leu; replaces proline 204 with leucine.
Molecular consequence: missense variant.
Genome position (GRCh38, 1-based): chr15:89,750,621, G>A on the plus strand (C>T on the coding strand, the complement: MESP1 is on the minus strand). VCF-style: chr15-89750621-G-A. GRCh37 (hg19) VCF-style: chr15-90293852-G-A.
Other names: c.611C>T (NM_018670.3); short protein forms P204L.
Identifiers: ClinVar variation 3671183 (VCV003671183.3).

ClinVar aggregate classification (germline): Conflicting classifications of pathogenicity. Review status: criteria provided, conflicting classifications (1 of 4 stars). 2 submissions from 2 submitters: Uncertain significance (1); Likely benign (1). Last evaluated 2025-11-11.

gnomAD v4.1: 58 of 1,388,538 alleles (0.0042%); highest among the groups gnomAD compares: Non-Finnish European, 0.0052%; no homozygotes.

Submissions (2):

Ambry Genetics
Classification: Likely benign. Last evaluated: 2025-11-11. Review status: criteria provided, single submitter. Criteria: Ambry Variant Classification Scheme 2023. Collection method: clinical testing. Allele origin: germline.

Labcorp Genetics (formerly Invitae), Labcorp
Classification: Uncertain significance. Last evaluated: 2024-04-09. Review status: criteria provided, single submitter. Criteria: Invitae Variant Classification Sherloc (09022015). Collection method: clinical testing. Allele origin: germline.
Comment: This sequence change replaces proline, which is neutral and non-polar, with leucine, which is neutral and non-polar, at codon 204 of the MESP1 protein (p.Pro204Leu). This variant is present in population databases (rs767895868, gnomAD 0.005%). This variant has not been reported in the literature in individuals affected with MESP1-related conditions. Algorithms developed to predict the effect of missense changes on protein structure and function output the following: SIFT: "Not Available"; PolyPhen-2: "Benign"; Align-GVGD: "Not Available". The leucine amino acid residue is found in multiple mammalian species, which suggests that this missense change does not adversely affect protein function. In summary, the available evidence is currently insufficient to determine the role of this variant in disease. Therefore, it has been classified as a Variant of Uncertain Significance.